The following is an entry in ClinVar:

ClinVar aggregate classification (germline): Uncertain significance (1 of 4 stars; one submission).

Allele frequency attached by ClinVar (database versions not stated): TOPMed below 0.00001; gnomAD 0.00001.
gnomAD v4.1: 1 of 1,614,060 alleles (0.000062%); highest among the groups gnomAD compares: Non-Finnish European, 0.000085%; no homozygotes.

Submission:

Ambry Genetics
Classification: Uncertain significance. Last evaluated: 2025-07-17. Review status: criteria provided, single submitter. Criteria: Ambry Variant Classification Scheme 2023. Collection method: clinical testing. Allele origin: germline.
Comment: The p.D890H variant (also known as c.2668G>C), located in coding exon 24 of the KIF1B gene, results from a G to C substitution at nucleotide position 2668. The aspartic acid at codon 890 is replaced by histidine, an amino acid with similar properties. This amino acid position is conserved. In addition, the in silico prediction for this alteration is inconclusive. Since supporting evidence is limited at this time, the clinical significance of this alteration remains unclear.

NM_001365951.3(KIF1B):c.2806G>C (p.Asp936His)

Genes: KIF1B (kinesin family member 1B; plus strand), LOC126805614 (BRD4-independent group 4 enhancer GRCh37_chr1:10385546-10386745; plus strand). Cytogenetic location: 1p36.22.
Variant type: single nucleotide variant.
Coding change: c.2806G>C on transcript NM_001365951.3 (MANE Select); coding-DNA position 2806, G replaced by C.
Protein change: p.Asp936His; replaces aspartic acid 936 with histidine.
Molecular consequence: missense variant.
Genome position (GRCh38, 1-based): chr1:10,326,241, G>C. VCF-style: chr1-10326241-G-C. GRCh37 (hg19) VCF-style: chr1-10386299-G-C.
Other names: c.2806G>C, p.Asp936His (NM_001365952.1); c.2668G>C, p.Asp890His (NM_015074.3); short protein forms D890H, D936H.
Identifiers: ClinVar variation 2560511 (VCV002560511.3), dbSNP rs1651718647, ClinGen allele CA338337212.
Genomic context (GRCh38, chr1:10,326,241, plus strand): 5'-GCCGATTCCGACATCACTGAGCTGGCTGACGAGCAGCAAGATGAGATGGAGGATTTTGAT[G>C]ATGAGGCATTCGTGGATGACGCCGGCTCTGACGCAGGGACGGAGGAGGGATCAGATCTCT-3'
Protein context (NP_001352880.1, residues 926-946): EQQDEMEDFD[Asp936His]EAFVDDAGSD